The following is an entry in ClinVar:

ClinVar aggregate classification (germline): Uncertain significance (1 of 4 stars; one submission).

Conditions:
Inborn genetic diseases. Identifiers: MedGen C0950123, MeSH D030342.

Submission:

Ambry Genetics
Classification: Uncertain significance for Inborn genetic diseases. Last evaluated: 2024-11-18. Review status: criteria provided, single submitter. Criteria: Ambry Variant Classification Scheme 2023. Collection method: clinical testing. Allele origin: germline.
Comment: The p.P144H variant (also known as c.431C>A), located in coding exon 1 of the SMAD6 gene, results from a C to A substitution at nucleotide position 431. The proline at codon 144 is replaced by histidine, an amino acid with similar properties. This amino acid position is conserved. In addition, this alteration is predicted to be tolerated by in silico analysis. Based on the available evidence, the clinical significance of this variant remains unclear.

NM_005585.5(SMAD6):c.431C>A (p.Pro144His)

Gene: SMAD6 (SMAD family member 6; plus strand). Cytogenetic location: 15q22.31.
Variant type: single nucleotide variant.
Coding change: c.431C>A on transcript NM_005585.5 (MANE Select); coding-DNA position 431, C replaced by A.
Protein change: p.Pro144His; replaces proline 144 with histidine.
Molecular consequence: missense variant. On other transcripts: non-coding transcript variant (1).
Genome position (GRCh38, 1-based): chr15:66,703,689, C>A. VCF-style: chr15-66703689-C-A. GRCh37 (hg19) VCF-style: chr15-66996027-C-A.
Other names: short protein forms P144H.
Identifiers: ClinVar variation 3445910 (VCV003445910.1).